The following is an entry in ClinVar:

NM_052947.4(ALPK2):c.989T>C (p.Leu330Pro)

Genes: ALPK2 (alpha kinase 2; minus strand), LOC114803473 (ALPK2 eExon liver enhancer; plus strand). Cytogenetic location: 18q21.31.
Variant type: single nucleotide variant.
Coding change: c.989T>C on transcript NM_052947.4 (MANE Select); coding-DNA position 989, T replaced by C.
Protein change: p.Leu330Pro; replaces leucine 330 with proline.
Molecular consequence: missense variant.
Genome position (GRCh38, 1-based): chr18:58,579,787, A>G on the plus strand (T>C on the coding strand, the complement: ALPK2 is on the minus strand). VCF-style: chr18-58579787-A-G. GRCh37 (hg19) VCF-style: chr18-56247019-A-G.
Other names: short protein forms L330P.
Identifiers: ClinVar variation 3530159 (VCV003530159.1).

ClinVar aggregate classification (germline): Uncertain significance (1 of 4 stars; one submission).

Submission:

Ambry Genetics
Classification: Uncertain significance. Last evaluated: 2024-10-12. Review status: criteria provided, single submitter. Criteria: Ambry Variant Classification Scheme 2023. Collection method: clinical testing. Allele origin: germline.
Comment: The p.L330P variant (also known as c.989T>C), located in coding exon 3 of the ALPK2 gene, results from a T to C substitution at nucleotide position 989. The leucine at codon 330 is replaced by proline, an amino acid with similar properties. This amino acid position is conserved. In addition, the in silico prediction for this alteration is inconclusive. Based on the available evidence, the clinical significance of this variant remains unclear.